The following is an entry in ClinVar:

NM_020549.5(CHAT):c.1026C>A (p.Asn342Lys)

Gene: CHAT (choline O-acetyltransferase; plus strand). Cytogenetic location: 10q11.23.
Variant type: single nucleotide variant.
Coding change: c.1026C>A on transcript NM_020549.5 (MANE Select); coding-DNA position 1026, C replaced by A.
Protein change: p.Asn342Lys; replaces asparagine 342 with lysine.
Molecular consequence: missense variant.
Genome position (GRCh38, 1-based): chr10:49,627,700, C>A. VCF-style: chr10-49627700-C-A. GRCh37 (hg19) VCF-style: chr10-50835746-C-A.
Other names: c.672C>A, p.Asn224Lys (NM_001142929.2, NM_001142934.2, NM_020984.4 and 2 more transcripts); c.780C>A, p.Asn260Lys (NM_001142933.2); short protein forms N224K, N260K, N342K.
Identifiers: ClinVar variation 2149498 (VCV002149498.4), dbSNP rs752685760, ClinGen allele CA376731261.

ClinVar aggregate classification (germline): Uncertain significance (1 of 4 stars; one submission).

Conditions:
Familial infantile myasthenia (CMS6). Also called: Congenital myasthenic syndrome type 6; MYASTHENIC SYNDROME, PRESYNAPTIC, CONGENITAL, ASSOCIATED WITH EPISODIC APNEA; MYASTHENIC SYNDROME, CONGENITAL, 6, PRESYNAPTIC. Identifiers: Orphanet 590, MedGen C0393929, MONDO:0009689, OMIM 254210.

Submission:

Labcorp Genetics (formerly Invitae), Labcorp
Classification: Uncertain significance for Familial infantile myasthenia. Last evaluated: 2021-12-21. Review status: criteria provided, single submitter. Criteria: Invitae Variant Classification Sherloc (09022015). Collection method: clinical testing. Allele origin: germline.
Comment: In summary, the available evidence is currently insufficient to determine the role of this variant in disease. Therefore, it has been classified as a Variant of Uncertain Significance. Advanced modeling of protein sequence and biophysical properties (such as structural, functional, and spatial information, amino acid conservation, physicochemical variation, residue mobility, and thermodynamic stability) performed at Invitae indicates that this missense variant is not expected to disrupt CHAT protein function. This variant has not been reported in the literature in individuals affected with CHAT-related conditions. This variant is not present in population databases (gnomAD no frequency). This sequence change replaces asparagine, which is neutral and polar, with lysine, which is basic and polar, at codon 342 of the CHAT protein (p.Asn342Lys).